The following is an entry in ClinVar:

ClinVar aggregate classification (germline): Pathogenic. Review status: criteria provided, multiple submitters, no conflicts (2 of 4 stars). 3 submissions from 3 submitters: Pathogenic (3). Last evaluated 2026-09-23.

Conditions:
Developmental and epileptic encephalopathy, 17 (DEE17). Also called: Early infantile epileptic encephalopathy 17. Identifiers: Orphanet 1934, MedGen C3809606, MONDO:0014199, OMIM 615473.
Early-infantile DEE. Also called: Early infantile epileptic encephalopathy; Ohtahara syndrome; Early infantile epileptic encephalopathy with suppression bursts. Identifiers: Orphanet 1934, MedGen C0393706, MONDO:0800491.

Submissions (3):

GeneDx
Classification: Pathogenic. Last evaluated: 2026-09-23. Review status: criteria provided, single submitter. Criteria: GeneDx Variant Classification Process June 2021. Collection method: clinical testing. Allele origin: germline.
Comment: Not observed at significant frequency in large population cohorts (gnomAD); In silico analysis supports that this missense variant has a deleterious effect on protein structure/function; This variant is associated with the following publications: (PMID: 30682224, 32695065, 28357411, 26485252, 28817111, 33057194, 35982159, 31440721, 29390993)

Dasa
Classification: Pathogenic. Last evaluated: 2025-01-22. Review status: criteria provided, single submitter. Criteria: DASA Assertion Criteria. Collection method: clinical testing. Allele origin: germline.
Comment: NM_020988.3(GNAO1):c.118G>T (p.Gly40Trp) is a missense variant that results in the substitution of glycine with tryptophan. The affected residue or protein region has prior evidence supporting clinical relevance. De novo occurrence has been reported in an individual with related phenotype. This variant has been recurrently observed in individuals with related phenotype (PMID: 29390993; PMID: 30682224). Multiple computational predictions support a deleterious effect on the gene or gene product. The variant is present at low frequency in population datasets. Based on the available data, this variant is classified as pathogenic.

Labcorp Genetics (formerly Invitae), Labcorp
Classification: Pathogenic for Early-infantile DEE. Last evaluated: 2020-03-05. Review status: criteria provided, single submitter. Criteria: Invitae Variant Classification Sherloc (09022015). Collection method: clinical testing. Allele origin: germline.
Comment: This variant is not present in population databases (ExAC no frequency). For these reasons, this variant has been classified as Pathogenic. Different variants affecting this nucleotide (c.118G>C, c.118G>A) have been determined to be pathogenic (PMID: 26485252, 28357411, 28817111). This suggests that this nucleotide is important for normal RNA splicing, and that other variants at this position may also be pathogenic. Nucleotide substitutions within the consensus splice site are a relatively common cause of aberrant splicing (PMID: 17576681, 9536098). Algorithms developed to predict the effect of sequence changes on RNA splicing suggest that this variant may disrupt the consensus splice site, but this prediction has not been confirmed by published transcriptional studies. Algorithms developed to predict the effect of missense changes on protein structure and function are either unavailable or do not agree on the potential impact of this missense change (SIFT: "Deleterious"; PolyPhen-2: "Probably Damaging"; Align-GVGD: "Class C15"). This variant has been observed to be de novo in an individual with early onset epilepsy (PMID: 29390993). ClinVar contains an entry for this variant (Variation ID: 280526). This sequence change replaces glycine with tryptophan at codon 40 of the GNAO1 protein (p.Gly40Trp). The glycine residue is highly conserved and there is a large physicochemical difference between glycine and tryptophan. This variant also falls at the last nucleotide of exon 1 of the GNAO1 coding sequence, which is part of the consensus splice site for this exon.

Literature cited by the submitters: PubMed 29390993 (cited by Dasa and Labcorp Genetics (formerly Invitae), Labcorp); PubMed 30682224 (cited by Dasa); PubMed 26485252 (cited by Labcorp Genetics (formerly Invitae), Labcorp); PubMed 28357411 (cited by Labcorp Genetics (formerly Invitae), Labcorp); PubMed 28817111 (cited by Labcorp Genetics (formerly Invitae), Labcorp); PubMed 17576681 (cited by Labcorp Genetics (formerly Invitae), Labcorp); PubMed 9536098 (cited by Labcorp Genetics (formerly Invitae), Labcorp).

NM_020988.3(GNAO1):c.118G>T (p.Gly40Trp)

Gene: GNAO1 (G protein subunit alpha o1; plus strand). Cytogenetic location: 16q13.
Variant type: single nucleotide variant.
Coding change: c.118G>T on transcript NM_020988.3 (MANE Select); coding-DNA position 118, G replaced by T.
Protein change: p.Gly40Trp; replaces glycine 40 with tryptophan.
Molecular consequence: missense variant.
Genome position (GRCh38, 1-based): chr16:56,192,353, G>T. VCF-style: chr16-56192353-G-T. GRCh37 (hg19) VCF-style: chr16-56226265-G-T.
Other names: c.118G>T, p.Gly40Trp (NM_138736.3); short protein forms G40W.
Identifiers: ClinVar variation 280526 (VCV000280526.17), dbSNP rs886041715, ClinGen allele CA10603535.